The following is an entry in ClinVar:

NM_000900.5(MGP):c.*27T>G

Gene: MGP (matrix Gla protein; minus strand). Cytogenetic location: 12p12.3.
Variant type: single nucleotide variant.
Coding change: c.*27T>G on transcript NM_000900.5 (MANE Select); 27 bases downstream of the stop codon, T replaced by G.
Molecular consequence: 3 prime UTR variant.
Genome position (GRCh38, 1-based): chr12:14,882,112, A>C on the plus strand (T>G on the coding strand, the complement: MGP is on the minus strand). VCF-style: chr12-14882112-A-C. GRCh37 (hg19) VCF-style: chr12-15035046-A-C.
Other names: c.*27T>G (NM_001190839.3).
Identifiers: ClinVar variation 307768 (VCV000307768.5), dbSNP rs80337043, ClinGen allele CA6465107.
Genomic context (GRCh38, chr12:14,882,112, plus strand): 5'-TATGTATTTCTGTAATGCTGCTACAGGGGGATACAAAATCAGGTGCCAGCCTCCAGAAAA[A>C]AAGAGATTTTTTTTCTTCCCTCAGTCTCATTTGGTCCCTCGGCGCTTCCTGAAGTAGCGA-3'

ClinVar aggregate classification (germline): Benign (1 of 4 stars; one submission).

Conditions:
Keutel syndrome (KTLS). Identifiers: Orphanet 85202, MedGen C1855607, MONDO:0009495, OMIM 245150.

Allele frequency attached by ClinVar (database versions not stated): ESP Exome Variant Server 0.00038; TOPMed 0.00154; gnomAD 0.00164 and 0.00326; gnomAD exomes 0.00389 and 0.00796; ExAC 0.00854; 1000 Genomes Project 0.01458; 1000 Genomes Project 30x 0.01483.
gnomAD v4.1: 6,279 of 1,613,832 alleles (0.39%); highest among the groups gnomAD compares: South Asian, 4%; 150 homozygotes.

Submission:

Illumina Laboratory Services, Illumina
Classification: Benign for Keutel syndrome. Last evaluated: 2018-01-12. Review status: criteria provided, single submitter. Criteria: ICSL Variant Classification Criteria 13 December 2019. Collection method: clinical testing. Allele origin: germline.
Comment: This variant was observed in the ICSL laboratory as part of a predisposition screen in an ostensibly healthy population. It had not been previously curated by ICSL or reported in the Human Gene Mutation Database (HGMD: prior to June 1st, 2018), and was therefore a candidate for classification through an automated scoring system. Utilizing variant allele frequency, disease prevalence and penetrance estimates, and inheritance mode, an automated score was calculated to assess if this variant is too frequent to cause the disease. Based on the score and internal cut-off values, a variant classified as benign is not then subjected to further curation. The score for this variant resulted in a classification of benign for this disease.